The following is an entry in ClinVar:

NM_152641.4(ARID2):c.5218G>A (p.Ala1740Thr)

Gene: ARID2 (AT-rich interaction domain 2; plus strand). Cytogenetic location: 12q12.
Variant type: single nucleotide variant.
Coding change: c.5218G>A on transcript NM_152641.4 (MANE Select); coding-DNA position 5218, G replaced by A.
Protein change: p.Ala1740Thr; replaces alanine 1740 with threonine.
Molecular consequence: missense variant.
Genome position (GRCh38, 1-based): chr12:45,893,490, G>A. VCF-style: chr12-45893490-G-A. GRCh37 (hg19) VCF-style: chr12-46287273-G-A.
Other names: c.5218G>A, p.Ala1740Thr (NM_001347839.2); short protein forms A1740T.
Identifiers: ClinVar variation 3369598 (VCV003369598.1).

ClinVar aggregate classification (germline): Uncertain significance (1 of 4 stars; one submission).

Submission:

GeneDx
Classification: Uncertain significance. Last evaluated: 2024-02-22. Review status: criteria provided, single submitter. Criteria: GeneDx Variant Classification Process June 2021. Collection method: clinical testing. Allele origin: germline. Affected: yes.
Comment: Not observed at significant frequency in large population cohorts (gnomAD); In silico analysis supports that this missense variant has a deleterious effect on protein structure/function; Has not been previously published as pathogenic or benign to our knowledge